The following is an entry in ClinVar:

ClinVar aggregate classification (germline): Uncertain significance (1 of 4 stars; one submission).

Allele frequency attached by ClinVar (database versions not stated): gnomAD 0.00001.

Submission:

Labcorp Genetics (formerly Invitae), Labcorp
Classification: Uncertain significance. Last evaluated: 2022-02-03. Review status: criteria provided, single submitter. Criteria: Invitae Variant Classification Sherloc (09022015). Collection method: clinical testing. Allele origin: germline.
Comment: This sequence change replaces methionine, which is neutral and non-polar, with threonine, which is neutral and polar, at codon 1021 of the VCAN protein (p.Met1021Thr). This variant is not present in population databases (gnomAD no frequency). This variant has not been reported in the literature in individuals affected with VCAN-related conditions. Algorithms developed to predict the effect of missense changes on protein structure and function are either unavailable or do not agree on the potential impact of this missense change (SIFT: "Deleterious"; PolyPhen-2: "Benign"; Align-GVGD: "Class C0"). In summary, the available evidence is currently insufficient to determine the role of this variant in disease. Therefore, it has been classified as a Variant of Uncertain Significance.

NM_004385.5(VCAN):c.3062T>C (p.Met1021Thr)

Gene: VCAN (versican; plus strand). Cytogenetic location: 5q14.3.
Variant type: single nucleotide variant.
Coding change: c.3062T>C on transcript NM_004385.5 (MANE Select); coding-DNA position 3062, T replaced by C.
Protein change: p.Met1021Thr; replaces methionine 1021 with threonine.
Molecular consequence: missense variant. On other transcripts: intron variant (2).
Genome position (GRCh38, 1-based): chr5:83,521,368, T>C. VCF-style: chr5-83521368-T-C. GRCh37 (hg19) VCF-style: chr5-82817187-T-C.
Other names: c.3062T>C, p.Met1021Thr (NM_001164098.2); c.1042+8972T>C (NM_001164097.2, NM_001126336.3); short protein forms M1021T.
Identifiers: ClinVar variation 2092375 (VCV002092375.4), dbSNP rs1183624819, ClinGen allele CA360305259.